The following is an entry in ClinVar:

NM_001098426.2(SMARCD2):c.29C>T (p.Pro10Leu)

Gene: SMARCD2 (SWI/SNF related BAF chromatin remodeling complex subunit D2; minus strand). Cytogenetic location: 17q23.3.
Variant type: single nucleotide variant.
Coding change: c.29C>T on transcript NM_001098426.2 (MANE Select); coding-DNA position 29, C replaced by T.
Protein change: p.Pro10Leu; replaces proline 10 with leucine.
Molecular consequence: missense variant.
Genome position (GRCh38, 1-based): chr17:63,842,646, G>A on the plus strand (C>T on the coding strand, the complement: SMARCD2 is on the minus strand). VCF-style: chr17-63842646-G-A. GRCh37 (hg19) VCF-style: chr17-61920006-G-A.
Other names: short protein forms P10L.
Identifiers: ClinVar variation 1968594 (VCV001968594.5), dbSNP rs1226832343, ClinGen allele CA400602362.

ClinVar aggregate classification (germline): Uncertain significance (1 of 4 stars; one submission).

Allele frequency attached by ClinVar (database versions not stated): gnomAD 0.00001; gnomAD exomes 0.00001; TOPMed 0.00002.
gnomAD v4.1: 7 of 1,273,436 alleles (0.00055%); highest among the groups gnomAD compares: South Asian, 0.0027%; no homozygotes.

Submission:

Labcorp Genetics (formerly Invitae), Labcorp
Classification: Uncertain significance. Last evaluated: 2022-05-10. Review status: criteria provided, single submitter. Criteria: Invitae Variant Classification Sherloc (09022015). Collection method: clinical testing. Allele origin: germline.
Comment: In summary, the available evidence is currently insufficient to determine the role of this variant in disease. Therefore, it has been classified as a Variant of Uncertain Significance. Algorithms developed to predict the effect of missense changes on protein structure and function are either unavailable or do not agree on the potential impact of this missense change (SIFT: "Deleterious"; PolyPhen-2: "Not Available"; Align-GVGD: "Class C0"). This variant has not been reported in the literature in individuals affected with SMARCD2-related conditions. This variant is not present in population databases (gnomAD no frequency). This sequence change replaces proline, which is neutral and non-polar, with leucine, which is neutral and non-polar, at codon 10 of the SMARCD2 protein (p.Pro10Leu).